The following is an entry in ClinVar:

ClinVar aggregate classification (germline): Uncertain significance (1 of 4 stars; one submission).

Conditions:
PLXNA2-related disorder. Also called: PLXNA2-related condition.

gnomAD v4.1: 7 of 1,614,224 alleles (0.00043%); highest among the groups gnomAD compares: Non-Finnish European, 0.00051%; no homozygotes.

Submission:

PreventionGenetics, part of Exact Sciences
Classification: Uncertain significance for PLXNA2-related condition. Last evaluated: 2026-09-17. Review status: criteria provided, single submitter. Criteria: ACMG Guidelines, 2015. Collection method: clinical testing. Allele origin: germline.
Comment: The PLXNA2 c.4151G>A variant is predicted to result in the amino acid substitution p.Gly1384Asp. To our knowledge, this variant has not been reported in the literature or in a large population database (gnomAD), indicating this variant is rare. At this time, the clinical significance of this variant is uncertain due to the absence of conclusive functional and genetic evidence.

NM_025179.4(PLXNA2):c.4151G>A (p.Gly1384Asp)

Gene: PLXNA2 (plexin A2; minus strand). Cytogenetic location: 1q32.2.
Variant type: single nucleotide variant.
Coding change: c.4151G>A on transcript NM_025179.4 (MANE Select); coding-DNA position 4151, G replaced by A.
Protein change: p.Gly1384Asp; replaces glycine 1384 with aspartic acid.
Molecular consequence: missense variant.
Genome position (GRCh38, 1-based): chr1:208,042,233, C>T on the plus strand (G>A on the coding strand, the complement: PLXNA2 is on the minus strand). VCF-style: chr1-208042233-C-T. GRCh37 (hg19) VCF-style: chr1-208215578-C-T.
Other names: short protein forms G1384D.
Identifiers: ClinVar variation 4996605 (VCV004996605.1).
Genomic context (GRCh38, chr1:208,042,233, plus strand): 5'-ACATCAGTGGCATATTCCAGGCGGCCCTGCAGGCCGGTCATGATGAGCGAAGCCACGTTG[C>T]CCCGGTCGCGCATGGAGAAACTGCGCTGCAGCTCCAGGGTGCGGATGAAGGTCAGCAGGA-3'
Protein context (NP_079455.3, residues 1374-1394): LQRSFSMRDR[Gly1384Asp]NVASLIMTGL